The following is an entry in ClinVar:

NM_004933.3(CDH15):c.1089C>T (p.Arg363=)

Gene: CDH15 (cadherin 15; plus strand). Cytogenetic location: 16q24.3.
Variant type: single nucleotide variant.
Coding change: c.1089C>T on transcript NM_004933.3 (MANE Select); coding-DNA position 1089, C replaced by T.
Protein change: p.Arg363=; no amino-acid change (arginine 363 retained).
Molecular consequence: synonymous variant.
Genome position (GRCh38, 1-based): chr16:89,190,353, C>T. VCF-style: chr16-89190353-C-T. GRCh37 (hg19) VCF-style: chr16-89256761-C-T.
Identifiers: ClinVar variation 2647031 (VCV002647031.24), dbSNP rs374972458, ClinGen allele CA8239141.

ClinVar aggregate classification (germline): Likely benign (1 of 4 stars; one submission).

Allele frequency attached by ClinVar (database versions not stated): TOPMed 0.00003; gnomAD 0.00005; gnomAD exomes 0.00009; ExAC 0.00011; ESP Exome Variant Server 0.00038.
gnomAD v4.1: 132 of 1,612,674 alleles (0.0082%); highest among the groups gnomAD compares: Non-Finnish European, 0.011%; no homozygotes.

Submission:

CeGaT Center for Human Genetics Tuebingen
Classification: Likely benign. Last evaluated: 2022-08-01. Review status: criteria provided, single submitter. Criteria: CeGaT Center For Human Genetics Tuebingen Variant Classification Criteria Version 2. Collection method: clinical testing. Allele origin: germline. Affected: yes. Observed: 1 variant allele.
Comment: CDH15: BP4, BP7